The following is an entry in ClinVar:

NM_024580.6(EFL1):c.1070-1G>C

Gene: EFL1 (elongation factor like GTPase 1; minus strand). Cytogenetic location: 15q25.2.
Variant type: single nucleotide variant.
Coding change: c.1070-1G>C on transcript NM_024580.6 (MANE Select); the canonical splice acceptor site of the intron before coding-DNA position 1070, G replaced by C.
Molecular consequence: splice acceptor variant.
Genome position (GRCh38, 1-based): chr15:82,227,573, C>G on the plus strand (G>C on the coding strand, the complement: EFL1 is on the minus strand). VCF-style: chr15-82227573-C-G. GRCh37 (hg19) VCF-style: chr15-82519914-C-G.
Other names: c.917-1G>C (NM_001040610.3); c.281-1G>C (NM_001322844.2); c.1070-1G>C (NM_001322845.2).
Identifiers: ClinVar variation 1982394 (VCV001982394.4), dbSNP rs1472133619, ClinGen allele CA393277241.
Genomic context (GRCh38, chr15:82,227,573, plus strand): 5'-GTCTCTCCACTCTCTCAGCTGTAATATCAAGGGGACTAGGAAGTTTCTGACACACCATAG[C>G]TGAAGTCTATTGTTAAGGACTGAAAACCTTGAGCCAGTGCCTCCCACCAAGGCGAAGATT-3'

ClinVar aggregate classification (germline): Uncertain significance (1 of 4 stars; one submission).

Allele frequency attached by ClinVar (database versions not stated): gnomAD exomes below 0.00001; gnomAD 0.00001; TOPMed 0.00001.
gnomAD v4.1: 4 of 1,613,996 alleles (0.00025%); highest among the groups gnomAD compares: Non-Finnish European, 0.00034%; no homozygotes.

Submission:

Labcorp Genetics (formerly Invitae), Labcorp
Classification: Uncertain significance. Last evaluated: 2022-01-11. Review status: criteria provided, single submitter. Criteria: Invitae Variant Classification Sherloc (09022015). Collection method: clinical testing. Allele origin: germline.
Comment: In summary, the available evidence is currently insufficient to determine the role of this variant in disease. Therefore, it has been classified as a Variant of Uncertain Significance. Experimental studies and prediction algorithms are not available or were not evaluated, and the functional significance of this variant is currently unknown. This variant has not been reported in the literature in individuals affected with EFL1-related conditions. This variant is present in population databases (no rsID available, gnomAD 0.007%). This sequence change affects an acceptor splice site in intron 10 of the EFL1 gene. It is expected to disrupt RNA splicing. Variants that disrupt the donor or acceptor splice site typically lead to a loss of protein function (PMID: 16199547), however the current clinical and genetic evidence is not sufficient to establish whether loss-of-function variants in EFL1 cause disease.

Literature cited by the submitters: PubMed 16199547.